The following is an entry in ClinVar:

NM_139125.4(MASP1):c.273T>A (p.Cys91Ter)

Gene: MASP1 (MBL associated serine protease 1; minus strand). Cytogenetic location: 3q27.3.
Variant type: single nucleotide variant.
Coding change: c.273T>A on transcript NM_139125.4 (MANE Select); coding-DNA position 273, T replaced by A.
Protein change: p.Cys91Ter; replaces cysteine 91 with a stop codon.
Molecular consequence: nonsense. On other transcripts: non-coding transcript variant (1).
Genome position (GRCh38, 1-based): chr3:187,262,685, A>T on the plus strand (T>A on the coding strand, the complement: MASP1 is on the minus strand). VCF-style: chr3-187262685-A-T. GRCh37 (hg19) VCF-style: chr3-186980473-A-T.
Other names: c.273T>A, p.Cys91Ter (NM_001031849.3, NM_001879.6); short protein forms C91*.
Identifiers: ClinVar variation 3346864 (VCV003346864.1).

ClinVar aggregate classification (germline): Likely pathogenic (0 of 4 stars; one submission).

Conditions:
MASP1-related disorder. Also called: MASP1-related condition.

Submission:

PreventionGenetics, part of Exact Sciences
Classification: Likely pathogenic for MASP1-related condition. Last evaluated: 2024-07-23. Review status: no assertion criteria provided. Collection method: clinical testing. Allele origin: germline.
Comment: The MASP1 c.273T>A variant is predicted to result in premature protein termination (p.Cys91*). To our knowledge, this variant has not been reported in the literature or in a large population database, indicating this variant is rare. Nonsense variants in MASP1 are expected to be pathogenic. This variant is interpreted as likely pathogenic.